The following is an entry in ClinVar:

NM_000027.4(AGA):c.763G>A (p.Ala255Thr)

Gene: AGA (aspartylglucosaminidase; minus strand). Cytogenetic location: 4q34.3.
Variant type: single nucleotide variant.
Coding change: c.763G>A on transcript NM_000027.4 (MANE Select); coding-DNA position 763, G replaced by A.
Protein change: p.Ala255Thr; replaces alanine 255 with threonine.
Molecular consequence: missense variant. On other transcripts: non-coding transcript variant (1).
Genome position (GRCh38, 1-based): chr4:177,434,425, C>T on the plus strand (G>A on the coding strand, the complement: AGA is on the minus strand). VCF-style: chr4-177434425-C-T. GRCh37 (hg19) VCF-style: chr4-178355579-C-T.
Other names: c.733G>A, p.Ala245Thr (NM_001171988.2); c.763G>A (NM_000027.3); short protein forms A245T, A255T.
Identifiers: ClinVar variation 2201852 (VCV002201852.2), dbSNP rs770570725, ClinGen allele CA3146811.

ClinVar aggregate classification (germline): Uncertain significance. Review status: criteria provided, multiple submitters, no conflicts (2 of 4 stars). 2 submissions from 2 submitters: Uncertain significance (2). Last evaluated 2022-09-19.

Conditions:
Aspartylglucosaminuria (AGU). Also called: AGA DEFICIENCY; GLYCOASPARAGINASE; GLYCOSYLASPARAGINASE DEFICIENCY; Aspartylglucos-aminuria; Aspartylglucos-amidase (AGA) deficiency. Identifiers: Orphanet 93, MedGen C0268225, MONDO:0008830, OMIM 208400, HP:0012068.
Inborn genetic diseases. Identifiers: MedGen C0950123, MeSH D030342.

Allele frequency attached by ClinVar (database versions not stated): TOPMed 0.00003; gnomAD 0.00004.
gnomAD v4.1: 53 of 1,613,856 alleles (0.0033%); highest among the groups gnomAD compares: Middle Eastern, 0.016%; no homozygotes.

Submissions (2):

Ambry Genetics
Classification: Uncertain significance for Inborn genetic diseases. Last evaluated: 2022-09-19. Review status: criteria provided, single submitter. Criteria: Ambry Variant Classification Scheme 2023. Collection method: clinical testing. Allele origin: germline.

Labcorp Genetics (formerly Invitae), Labcorp
Classification: Uncertain significance for Aspartylglucosaminuria. Last evaluated: 2022-06-23. Review status: criteria provided, single submitter. Criteria: Invitae Variant Classification Sherloc (09022015). Collection method: clinical testing. Allele origin: germline.
Comment: This sequence change replaces alanine, which is neutral and non-polar, with threonine, which is neutral and polar, at codon 255 of the AGA protein (p.Ala255Thr). This variant is present in population databases (rs770570725, gnomAD 0.02%). This variant has not been reported in the literature in individuals affected with AGA-related conditions. Algorithms developed to predict the effect of missense changes on protein structure and function are either unavailable or do not agree on the potential impact of this missense change (SIFT: "Tolerated"; PolyPhen-2: "Possibly Damaging"; Align-GVGD: "Class C0"). In summary, the available evidence is currently insufficient to determine the role of this variant in disease. Therefore, it has been classified as a Variant of Uncertain Significance.